The following is an entry in ClinVar:

NM_004006.3(DMD):c.6026A>G (p.Gln2009Arg)

Gene: DMD (dystrophin; minus strand). Cytogenetic location: Xp21.1.
Variant type: single nucleotide variant.
Coding change: c.6026A>G on transcript NM_004006.3 (MANE Select); coding-DNA position 6026, A replaced by G.
Protein change: p.Gln2009Arg; replaces glutamine 2009 with arginine.
Molecular consequence: missense variant.
Genome position (GRCh38, 1-based): chrX:32,310,173, T>C on the plus strand (A>G on the coding strand, the complement: DMD is on the minus strand). VCF-style: chrX-32310173-T-C. GRCh37 (hg19) VCF-style: chrX-32328290-T-C.
Other names: c.6002A>G, p.Gln2001Arg (NM_000109.4); c.6014A>G, p.Gln2005Arg (NM_004009.3); c.5657A>G, p.Gln1886Arg (NM_004010.3); c.2003A>G, p.Gln668Arg (NM_004011.4); c.1994A>G, p.Gln665Arg (NM_004012.4); short protein forms Q1886R, Q2001R, Q2005R, Q665R, Q2009R, Q668R.
Identifiers: ClinVar variation 4749663 (VCV004749663.1).

ClinVar aggregate classification (germline): Uncertain significance (1 of 4 stars; one submission).

Conditions:
Duchenne muscular dystrophy (DMD). Also called: MUSCULAR DYSTROPHY, PSEUDOHYPERTROPHIC PROGRESSIVE, DUCHENNE TYPE; Duchenne Muscular Dystrophy (DMD). Identifiers: Orphanet 98896, MedGen C0013264, MONDO:0010679, OMIM 310200.

gnomAD v4.1: 10 of 1,208,832 alleles (0.00083%); highest among the groups gnomAD compares: Non-Finnish European, 0.0011%; no homozygotes.

Submission:

Labcorp Genetics (formerly Invitae), Labcorp
Classification: Uncertain significance for Duchenne muscular dystrophy. Last evaluated: 2025-10-02. Review status: criteria provided, single submitter. Criteria: Invitae Variant Classification Sherloc (09022015). Collection method: clinical testing. Allele origin: germline.
Comment: This sequence change replaces glutamine, which is neutral and polar, with arginine, which is basic and polar, at codon 2009 of the DMD protein (p.Gln2009Arg). This variant is present in population databases (no rsID available, gnomAD 0.001%). This variant has not been reported in the literature in individuals affected with DMD-related conditions. Invitae Evidence Modeling of protein sequence and biophysical properties (such as structural, functional, and spatial information, amino acid conservation, physicochemical variation, residue mobility, and thermodynamic stability) indicates that this missense variant is not expected to disrupt DMD protein function with a negative predictive value of 95%. In summary, the available evidence is currently insufficient to determine the role of this variant in disease. Therefore, it has been classified as a Variant of Uncertain Significance.